The following is an entry in ClinVar:

ClinVar aggregate classification (germline): Likely benign. Review status: criteria provided, multiple submitters, no conflicts (2 of 4 stars). 2 submissions from 2 submitters: Likely benign (2). Last evaluated 2024-12-04.

Conditions:
Intellectual developmental disorder, autosomal dominant 6, with or without seizures. Also called: GRIN2B-related developmental delay, intellectual disability and autism spectrum disorder; Intellectual disability, autosomal dominant 6. Identifiers: Orphanet 589547, MedGen C3151411, MONDO:0013509, OMIM 613970.
Developmental and epileptic encephalopathy, 27 (DEE27). Also called: Epileptic encephalopathy, early infantile, 27; GRIN2B-Related Neurodevelopmental Disorder. Identifiers: Orphanet 3451, MedGen C4015316, MONDO:0014505, OMIM 616139.

Allele frequency attached by ClinVar (database versions not stated): TOPMed 0.00001.
gnomAD v4.1: 2 of 1,611,750 alleles (0.00012%); highest among the groups gnomAD compares: Non-Finnish European, 0.000085%; no homozygotes.

Submissions (2):

Labcorp Genetics (formerly Invitae), Labcorp
Classification: Likely benign for Developmental and epileptic encephalopathy, 27; Intellectual developmental disorder, autosomal dominant 6, with or without seizures. Last evaluated: 2024-12-04. Review status: criteria provided, single submitter. Criteria: Invitae Variant Classification Sherloc (09022015). Collection method: clinical testing. Allele origin: germline.

GeneDx
Classification: Likely benign. Last evaluated: 2016-07-28. Review status: criteria provided, single submitter. Criteria: GeneDx Variant Classification (06012015). Collection method: clinical testing. Allele origin: germline. Affected: yes.
Comment: This variant is considered likely benign or benign based on one or more of the following criteria: it is a conservative change, it occurs at a poorly conserved position in the protein, it is predicted to be benign by multiple in silico algorithms, and/or has population frequency not consistent with disease.

NM_000834.5(GRIN2B):c.1080G>T (p.Pro360=)

Gene: GRIN2B (glutamate ionotropic receptor NMDA type subunit 2B; minus strand). Cytogenetic location: 12p13.1.
Variant type: single nucleotide variant.
Coding change: c.1080G>T on transcript NM_000834.5 (MANE Select); coding-DNA position 1080, G replaced by T.
Protein change: p.Pro360=; no amino-acid change (proline 360 retained).
Molecular consequence: synonymous variant.
Genome position (GRCh38, 1-based): chr12:13,675,790, C>A on the plus strand (G>T on the coding strand, the complement: GRIN2B is on the minus strand). VCF-style: chr12-13675790-C-A. GRCh37 (hg19) VCF-style: chr12-13828724-C-A.
Identifiers: ClinVar variation 388089 (VCV000388089.10), dbSNP rs201952040, ClinGen allele CA16606225.